The following is an entry in ClinVar:

NM_000548.5(TSC2):c.1885C>T (p.Leu629=)

Gene: TSC2 (TSC complex subunit 2; plus strand). Cytogenetic location: 16p13.3.
Variant type: single nucleotide variant.
Coding change: c.1885C>T on transcript NM_000548.5 (MANE Select); coding-DNA position 1885, C replaced by T.
Protein change: p.Leu629=; no amino-acid change (leucine 629 retained).
Molecular consequence: synonymous variant.
Genome position (GRCh38, 1-based): chr16:2,071,555, C>T. VCF-style: chr16-2071555-C-T. GRCh37 (hg19) VCF-style: chr16-2121556-C-T.
Other names: c.1885C>T, p.Leu629= (NM_001077183.3, NM_001114382.3, NM_001363528.2 and 3 more transcripts); c.1774C>T, p.Leu592= (NM_001318827.2); c.1738C>T, p.Leu580= (NM_001318829.2); c.1285C>T, p.Leu429= (NM_001318831.2); c.1918C>T, p.Leu640= (NM_001318832.2); c.1885C>T (NM_000548.4).
Identifiers: ClinVar variation 378780 (VCV000378780.27), dbSNP rs570409651, ClinGen allele CA034387.
Genomic context (GRCh38, chr16:2,071,555, plus strand): 5'-TCCTCTTCCTGACAGGCCTTTGACTTCCTGTTGCTGCTGCGGGCCGACTCACTGCACCGC[C>T]TGGGCCTGCCCAACAAGGATGGAGTCGTGCGGTTCAGCCCCTACTGCGTCTGCGACTACA-3'
Protein context (NP_000539.2, residues 619-639): LLLRADSLHR[Leu629=]GLPNKDGVVR

ClinVar aggregate classification (germline): Benign/Likely benign. Review status: criteria provided, multiple submitters, no conflicts (2 of 4 stars). 10 submissions from 10 submitters: Benign (7); Likely benign (2). 1 of the submissions does not count toward it. Last evaluated 2026-01-28.

Conditions:
TSC2-related disorder. Also called: TSC2-Related Disorders; TSC2-related condition.
Hereditary cancer-predisposing syndrome. Also called: Hereditary neoplastic syndrome; Tumor predisposition; Neoplastic Syndromes, Hereditary; Hereditary Cancer Syndrome. Identifiers: Orphanet 140162, MedGen C0027672, MeSH D009386, MONDO:0015356.
Tuberous sclerosis syndrome (TSC). Also called: Tuberous sclerosis; Tuberous Sclerosis Complex. Identifiers: Orphanet 805, MedGen C0041341, MONDO:0001734.
Tuberous sclerosis 2 (TSC2). Identifiers: Orphanet 805, MedGen C1860707, MONDO:0013199, OMIM 613254.

Allele frequency attached by ClinVar (database versions not stated): ExAC 0.00023; 1000 Genomes Project 30x 0.00031; 1000 Genomes Project 0.00040.
gnomAD v4.1: 150 of 1,613,604 alleles (0.0093%); highest among the groups gnomAD compares: South Asian, 0.16%; 1 homozygote.

Submissions (10):

Labcorp Genetics (formerly Invitae), Labcorp
Classification: Benign for Tuberous sclerosis 2. Last evaluated: 2026-01-28. Review status: criteria provided, single submitter. Criteria: Invitae Variant Classification Sherloc (09022015). Collection method: clinical testing. Allele origin: germline.

Myriad Genetics, Inc.
Classification: Benign for Tuberous sclerosis 2. Last evaluated: 2025-05-16. Review status: criteria provided, single submitter. Criteria: Myriad Autosomal Dominant, Autosomal Recessive and X-Linked Classification Criteria (2023). Collection method: clinical testing. Allele origin: unknown.
Comment: This variant is considered benign. This variant is a silent/synonymous amino acid change and it is not expected to impact splicing.

KCCC/NGS Laboratory, Kuwait Cancer Control Center
Classification: Benign for Tuberous sclerosis 2. Last evaluated: 2025-02-01. Review status: criteria provided, single submitter. Criteria: ACMG Guidelines, 2015. Collection method: clinical testing. Allele origin: germline. Affected: no.

All of Us Research Program, National Institutes of Health
Classification: Benign for Tuberous sclerosis syndrome. Last evaluated: 2024-01-11. Review status: criteria provided, single submitter. Criteria: ACMG Guidelines, 2015. Collection method: clinical testing. Allele origin: germline. Inheritance: Autosomal dominant inheritance. Observed: 10 variant alleles, 10 heterozygotes.
Comment: This study involves interpretation of variants in research participants for the purpose of population health screening. Participant phenotype was not available at the time of variant classification. Additional details can be found in publication PMID: 35346344, PMCID: PMC8962531

Color Diagnostics, LLC DBA Color Health
Classification: Benign for Tuberous sclerosis syndrome. Last evaluated: 2022-09-22. Review status: criteria provided, single submitter. Criteria: ACMG Guidelines, 2015. Collection method: clinical testing. Allele origin: germline.

Genome-Nilou Lab
Classification: Benign for Tuberous sclerosis 2. Last evaluated: 2021-11-07. Review status: criteria provided, single submitter. Criteria: ACMG Guidelines, 2015. Collection method: clinical testing. Allele origin: germline. Affected: no.

GeneDx
Classification: Benign. Last evaluated: 2020-05-29. Review status: criteria provided, single submitter. Criteria: GeneDx Variant Classification Process June 2021. Collection method: clinical testing. Allele origin: germline. Affected: yes.

Ambry Genetics
Classification: Likely benign for Hereditary cancer-predisposing syndrome. Last evaluated: 2016-12-08. Review status: criteria provided, single submitter. Criteria: Ambry Variant Classification Scheme 2023. Collection method: clinical testing. Allele origin: germline.

Breakthrough Genomics
Classification: Likely benign. Review status: criteria provided, single submitter. Criteria: ACMG Guidelines, 2015. Collection method: not provided. Allele origin: germline. Inheritance: Autosomal dominant inheritance. Affected: yes.

PreventionGenetics, part of Exact Sciences
Classification: Benign for TSC2-related condition. Last evaluated: 2021-02-01. Review status: no assertion criteria provided. Collection method: clinical testing. Allele origin: germline. Not counted in ClinVar's aggregate classification.
Comment: This variant is classified as benign based on ACMG/AMP sequence variant interpretation guidelines (Richards et al. 2015 PMID: 25741868, with internal and published modifications).